The following is an entry in ClinVar:

NM_001367561.1(DOCK7):c.131C>G (p.Ser44Cys)

Gene: DOCK7 (dedicator of cytokinesis 7; minus strand). Cytogenetic location: 1p31.3.
Variant type: single nucleotide variant.
Coding change: c.131C>G on transcript NM_001367561.1 (MANE Select); coding-DNA position 131, C replaced by G.
Protein change: p.Ser44Cys; replaces serine 44 with cysteine.
Molecular consequence: missense variant.
Genome position (GRCh38, 1-based): chr1:62,663,038, G>C on the plus strand (C>G on the coding strand, the complement: DOCK7 is on the minus strand). VCF-style: chr1-62663038-G-C. GRCh37 (hg19) VCF-style: chr1-63128709-G-C.
Other names: c.131C>G, p.Ser44Cys (NM_001271999.2, NM_001272000.2, NM_001272001.2 and 3 more transcripts); short protein forms S44C.
Identifiers: ClinVar variation 1978316 (VCV001978316.4), dbSNP rs1440360258, ClinGen allele CA340707772.

ClinVar aggregate classification (germline): Uncertain significance (1 of 4 stars; one submission).

Conditions:
Developmental and epileptic encephalopathy, 23 (DEE23). Also called: Epileptic encephalopathy, early infantile, 23. Identifiers: Orphanet 411986, MedGen C4014492, MONDO:0014371, OMIM 615859.

Allele frequency attached by ClinVar (database versions not stated): TOPMed 0.00001.
gnomAD v4.1: 2 of 1,609,998 alleles (0.00012%); highest among the groups gnomAD compares: Admixed American, 0.0033%; no homozygotes.

Submission:

Labcorp Genetics (formerly Invitae), Labcorp
Classification: Uncertain significance for Developmental and epileptic encephalopathy, 23. Last evaluated: 2022-01-22. Review status: criteria provided, single submitter. Criteria: Invitae Variant Classification Sherloc (09022015). Collection method: clinical testing. Allele origin: germline.
Comment: In summary, the available evidence is currently insufficient to determine the role of this variant in disease. Therefore, it has been classified as a Variant of Uncertain Significance. Algorithms developed to predict the effect of missense changes on protein structure and function are either unavailable or do not agree on the potential impact of this missense change (SIFT: "Deleterious"; PolyPhen-2: "Possibly Damaging"; Align-GVGD: "Class C0"). This variant has not been reported in the literature in individuals affected with DOCK7-related conditions. This variant is present in population databases (no rsID available, gnomAD 0.003%). This sequence change replaces serine, which is neutral and polar, with cysteine, which is neutral and slightly polar, at codon 44 of the DOCK7 protein (p.Ser44Cys).